The following is an entry in ClinVar:

NM_015271.5(TRIM2):c.2251G>A (p.Asp751Asn)

Gene: TRIM2 (tripartite motif containing 2; plus strand). Cytogenetic location: 4q31.3.
Variant type: single nucleotide variant.
Coding change: c.2251G>A on transcript NM_015271.5 (MANE Select); coding-DNA position 2251, G replaced by A.
Protein change: p.Asp751Asn; replaces aspartic acid 751 with asparagine.
Molecular consequence: missense variant.
Genome position (GRCh38, 1-based): chr4:153,334,901, G>A. VCF-style: chr4-153334901-G-A. GRCh37 (hg19) VCF-style: chr4-154256053-G-A.
Other names: c.2170G>A, p.Asp724Asn (NM_001130067.2, NM_001375512.1, NM_001375513.1 and 4 more transcripts); c.2236G>A, p.Asp746Asn (NM_001351054.2); c.2233G>A, p.Asp745Asn (NM_001351055.2); c.2182G>A, p.Asp728Asn (NM_001351056.2); c.1795G>A, p.Asp599Asn (NM_001351057.2); c.2344G>A, p.Asp782Asn (NM_001375488.1); c.2341G>A, p.Asp781Asn (NM_001375489.1); c.2194G>A, p.Asp732Asn (NM_001375490.1); and 4 more; short protein forms D724N, D731N, D746N, D781N, D640N, D599N, D639N, D728N.
Identifiers: ClinVar variation 2966075 (VCV002966075.3), dbSNP rs2546717818, ClinGen allele CA358471689.

ClinVar aggregate classification (germline): Uncertain significance (1 of 4 stars; one submission).

Conditions:
Charcot-Marie-Tooth disease type 2R. Also called: Charcot-Marie-Tooth disease, axonal, type 2R; CHARCOT-MARIE-TOOTH DISEASE, AXONAL, AUTOSOMAL RECESSIVE, TYPE 2R; CHARCOT-MARIE-TOOTH NEUROPATHY, TYPE 2R. Identifiers: Orphanet 397968, MedGen C3809655, MONDO:0014208, OMIM 615490.

Submission:

Labcorp Genetics (formerly Invitae), Labcorp
Classification: Uncertain significance for Charcot-Marie-Tooth disease type 2R. Last evaluated: 2023-12-28. Review status: criteria provided, single submitter. Criteria: Invitae Variant Classification Sherloc (09022015). Collection method: clinical testing. Allele origin: germline.
Comment: This sequence change replaces aspartic acid, which is acidic and polar, with asparagine, which is neutral and polar, at codon 724 of the TRIM2 protein (p.Asp724Asn). This variant is not present in population databases (gnomAD no frequency). This variant has not been reported in the literature in individuals affected with TRIM2-related conditions. An algorithm developed to predict the effect of missense changes on protein structure and function (PolyPhen-2) suggests that this variant is likely to be disruptive. In summary, the available evidence is currently insufficient to determine the role of this variant in disease. Therefore, it has been classified as a Variant of Uncertain Significance.